The following is an entry in ClinVar:

NM_015117.3(ZC3H3):c.2748G>C (p.Gln916His)

Gene: ZC3H3 (zinc finger CCCH-type containing 3; minus strand). Cytogenetic location: 8q24.3.
Variant type: single nucleotide variant.
Coding change: c.2748G>C on transcript NM_015117.3 (MANE Select); coding-DNA position 2748, G replaced by C.
Protein change: p.Gln916His; replaces glutamine 916 with histidine.
Molecular consequence: missense variant.
Genome position (GRCh38, 1-based): chr8:143,440,108, C>G on the plus strand (G>C on the coding strand, the complement: ZC3H3 is on the minus strand). VCF-style: chr8-143440108-C-G. GRCh37 (hg19) VCF-style: chr8-144522278-C-G.
Other names: c.2748G>C (NM_015117.2); short protein forms Q916H.
Identifiers: ClinVar variation 2658896 (VCV002658896.24), dbSNP rs147697502, ClinGen allele CA4910050.

ClinVar aggregate classification (germline): Conflicting classifications of pathogenicity. Review status: criteria provided, conflicting classifications (1 of 4 stars). 2 submissions from 2 submitters: Uncertain significance (1); Likely benign (1). Last evaluated 2025-09-22.

Allele frequency attached by ClinVar (database versions not stated): ESP Exome Variant Server 0.00092; gnomAD 0.00173; gnomAD exomes 0.00181; TOPMed 0.00196; ExAC 0.00278; 1000 Genomes Project 30x 0.00297; 1000 Genomes Project 0.00319.

Submissions (2):

Ambry Genetics
Classification: Uncertain significance. Last evaluated: 2025-09-22. Review status: criteria provided, single submitter. Criteria: Ambry Variant Classification Scheme 2023. Collection method: clinical testing. Allele origin: germline.

CeGaT Center for Human Genetics Tuebingen
Classification: Likely benign. Last evaluated: 2022-10-01. Review status: criteria provided, single submitter. Criteria: CeGaT Center For Human Genetics Tuebingen Variant Classification Criteria Version 2. Collection method: clinical testing. Allele origin: germline. Affected: yes. Observed: 1 variant allele.
Comment: ZC3H3: BP4, BS1